The following is an entry in ClinVar:

NM_006086.4(TUBB3):c.1317C>T (p.Asp439=)

Gene: TUBB3 (tubulin beta 3 class III; plus strand). Cytogenetic location: 16q24.3.
Variant type: single nucleotide variant.
Coding change: c.1317C>T on transcript NM_006086.4 (MANE Select); coding-DNA position 1317, C replaced by T.
Protein change: p.Asp439=; no amino-acid change (aspartic acid 439 retained).
Molecular consequence: synonymous variant.
Genome position (GRCh38, 1-based): chr16:89,935,768, C>T. VCF-style: chr16-89935768-C-T. GRCh37 (hg19) VCF-style: chr16-90002176-C-T.
Other names: c.1101C>T, p.Asp367= (NM_001197181.2).
Identifiers: ClinVar variation 380695 (VCV000380695.35), dbSNP rs75950334, ClinGen allele CA8256241.

ClinVar aggregate classification (germline): Benign/Likely benign. Review status: criteria provided, multiple submitters, no conflicts (2 of 4 stars). 5 submissions from 5 submitters: Benign (3); Likely benign (2). Last evaluated 2026-06-01.

Allele frequency attached by ClinVar (database versions not stated): gnomAD 0.00302 and 0.00324; 1000 Genomes Project 0.00339; TOPMed 0.00343; 1000 Genomes Project 30x 0.00344; ESP Exome Variant Server 0.00400.
gnomAD v4.1: 1,040 of 1,613,848 alleles (0.064%); highest among the groups gnomAD compares: African/African-American, 1%; 5 homozygotes.

Submissions (5):

CeGaT Center for Human Genetics Tuebingen
Classification: Likely benign. Last evaluated: 2026-06-01. Review status: criteria provided, single submitter. Criteria: CeGaT Center For Human Genetics Tuebingen Variant Classification Criteria Version 2. Collection method: clinical testing. Allele origin: germline. Affected: yes. Observed: 3 variant alleles.
Comment: TUBB3: BP4, BP7, BS1

Labcorp Genetics (formerly Invitae), Labcorp
Classification: Benign. Last evaluated: 2025-12-16. Review status: criteria provided, single submitter. Criteria: Invitae Variant Classification Sherloc (09022015). Collection method: clinical testing. Allele origin: germline.

Blueprint Genetics
Classification: Likely benign. Last evaluated: 2024-10-18. Review status: criteria provided, single submitter. Criteria: ACMG Guidelines, 2015. Collection method: clinical testing. Allele origin: germline.

GeneDx
Classification: Benign. Last evaluated: 2016-07-11. Review status: criteria provided, single submitter. Criteria: GeneDx Variant Classification (06012015). Collection method: clinical testing. Allele origin: germline. Affected: yes.
Comment: This variant is considered likely benign or benign based on one or more of the following criteria: it is a conservative change, it occurs at a poorly conserved position in the protein, it is predicted to be benign by multiple in silico algorithms, and/or has population frequency not consistent with disease.

Breakthrough Genomics
Classification: Benign. Review status: criteria provided, single submitter. Criteria: ACMG Guidelines, 2015. Collection method: not provided. Allele origin: germline. Inheritance: Autosomal dominant inheritance. Affected: yes.